The following is an entry in ClinVar:

ClinVar aggregate classification (germline): Uncertain significance (1 of 4 stars; one submission).

Conditions:
Inborn genetic diseases. Identifiers: MedGen C0950123, MeSH D030342.

gnomAD v4.1: 11 of 1,613,446 alleles (0.00068%); highest among the groups gnomAD compares: African/African-American, 0.0013%; no homozygotes.

Submission:

Ambry Genetics
Classification: Uncertain significance for Inborn genetic diseases. Last evaluated: 2025-04-19. Review status: criteria provided, single submitter. Criteria: Ambry Variant Classification Scheme 2023. Collection method: clinical testing. Allele origin: germline.
Comment: The p.Q893K variant (also known as c.2677C>A), located in coding exon 23 of the ANKRD26 gene, results from a C to A substitution at nucleotide position 2677. The glutamine at codon 893 is replaced by lysine, an amino acid with similar properties. This amino acid position is conserved. In addition, this alteration is predicted to be tolerated by in silico analysis. Based on the available evidence, the clinical significance of this variant remains unclear.

NM_014915.3(ANKRD26):c.2677C>A (p.Gln893Lys)

Gene: ANKRD26 (ankyrin repeat domain containing 26; minus strand). Cytogenetic location: 10p12.1.
Variant type: single nucleotide variant.
Coding change: c.2677C>A on transcript NM_014915.3 (MANE Select); coding-DNA position 2677, C replaced by A.
Protein change: p.Gln893Lys; replaces glutamine 893 with lysine.
Molecular consequence: missense variant.
Genome position (GRCh38, 1-based): chr10:27,037,206, G>T on the plus strand (C>A on the coding strand, the complement: ANKRD26 is on the minus strand). VCF-style: chr10-27037206-G-T. GRCh37 (hg19) VCF-style: chr10-27326135-G-T.
Other names: c.2674C>A, p.Gln892Lys (NM_001256053.2); short protein forms Q892K, Q893K.
Identifiers: ClinVar variation 3913799 (VCV003913799.1).